The following is an entry in ClinVar:

NM_198253.3(TERT):c.2495C>T (p.Pro832Leu)

Gene: TERT (telomerase reverse transcriptase; minus strand). Cytogenetic location: 5p15.33.
Variant type: single nucleotide variant.
Coding change: c.2495C>T on transcript NM_198253.3 (MANE Select); coding-DNA position 2495, C replaced by T.
Protein change: p.Pro832Leu; replaces proline 832 with leucine.
Molecular consequence: missense variant. On other transcripts: non-coding transcript variant (2).
Genome position (GRCh38, 1-based): chr5:1,268,607, G>A on the plus strand (C>T on the coding strand, the complement: TERT is on the minus strand). VCF-style: chr5-1268607-G-A. GRCh37 (hg19) VCF-style: chr5-1268722-G-A.
Other names: c.2495C>T (NM_198253.2); c.2495C>T, p.Pro832Leu (NM_001193376.3); short protein forms P832L.
Identifiers: ClinVar variation 1014437 (VCV001014437.9), dbSNP rs1748794843, ClinGen allele CA359074944.

ClinVar aggregate classification (germline): Uncertain significance. Review status: criteria provided, multiple submitters, no conflicts (2 of 4 stars). 3 submissions from 3 submitters: Uncertain significance (3). Last evaluated 2025-09-02.

Conditions:
Dyskeratosis congenita, autosomal dominant 2. Identifiers: MedGen C3151443, MONDO:0013521, OMIM 613989.
Idiopathic Pulmonary Fibrosis. Also called: Idiopathic fibrosing alveolitis, chronic form; idiopathic fibrosing alveolitis. Identifiers: Orphanet 2032, MedGen C1800706, MeSH D054990, MONDO:0800504.
Dyskeratosis congenita. Identifiers: Orphanet 1775, MedGen C0265965, MONDO:0015780.

Allele frequency attached by ClinVar (database versions not stated): gnomAD exomes below 0.00001; TOPMed below 0.00001.
gnomAD v4.1: 3 of 1,613,050 alleles (0.00019%); highest among the groups gnomAD compares: Non-Finnish European, 0.00025%; no homozygotes.

Submissions (3):

Ambry Genetics
Classification: Uncertain significance for Dyskeratosis congenita. Last evaluated: 2025-09-02. Review status: criteria provided, single submitter. Criteria: Ambry Variant Classification Scheme 2023. Collection method: clinical testing. Allele origin: germline.
Comment: The p.P832L variant (also known as c.2495C>T), located in coding exon 9 of the TERT gene, results from a C to T substitution at nucleotide position 2495. The proline at codon 832 is replaced by leucine, an amino acid with similar properties. This amino acid position is conserved. In addition, this alteration is predicted to be deleterious by in silico analysis. Based on the available evidence, the clinical significance of this variant remains unclear.

GeneDx
Classification: Uncertain significance. Last evaluated: 2023-02-02. Review status: criteria provided, single submitter. Criteria: GeneDx Variant Classification Process June 2021. Collection method: clinical testing. Allele origin: germline. Affected: yes.
Comment: Not observed at significant frequency in large population cohorts (gnomAD); In silico analysis supports that this missense variant has a deleterious effect on protein structure/function; Has not been previously published as pathogenic or benign to our knowledge

Labcorp Genetics (formerly Invitae), Labcorp
Classification: Uncertain significance for Dyskeratosis congenita, autosomal dominant 2; Idiopathic Pulmonary Fibrosis. Last evaluated: 2022-06-22. Review status: criteria provided, single submitter. Criteria: Invitae Variant Classification Sherloc (09022015). Collection method: clinical testing. Allele origin: germline.
Comment: In summary, the available evidence is currently insufficient to determine the role of this variant in disease. Therefore, it has been classified as a Variant of Uncertain Significance. Advanced modeling of protein sequence and biophysical properties (such as structural, functional, and spatial information, amino acid conservation, physicochemical variation, residue mobility, and thermodynamic stability) performed at Invitae indicates that this missense variant is expected to disrupt TERT protein function. ClinVar contains an entry for this variant (Variation ID: 1014437). This variant has not been reported in the literature in individuals affected with TERT-related conditions. This variant is not present in population databases (gnomAD no frequency). This sequence change replaces proline, which is neutral and non-polar, with leucine, which is neutral and non-polar, at codon 832 of the TERT protein (p.Pro832Leu).